The following is an entry in ClinVar:

ClinVar aggregate classification (germline): Uncertain significance. Review status: criteria provided, multiple submitters, no conflicts (2 of 4 stars). 2 submissions from 2 submitters: Uncertain significance (2). Last evaluated 2026-05-19.

Conditions:
Cardiovascular phenotype. Identifiers: MedGen CN230736.

Submissions (2):

Ambry Genetics
Classification: Uncertain significance for Cardiovascular phenotype. Last evaluated: 2026-05-19. Review status: criteria provided, single submitter. Criteria: Ambry Variant Classification Scheme 2023. Collection method: clinical testing. Allele origin: germline.
Comment: The c.3456_3466del11insCGAGG variant (also known as p.P1153_T1156delinsEA), located in coding exon 8 of the HCN4 gene, results from an in-frame deletion of GCCTCGGAAGA and insertion of CGAGG at nucleotide positions 3456 to 3466. This results in the substitution of four residues (PRKT) for an insertion of two residues (EA) at codons 1153 to 1156. This amino acid region ranges from well conserved to not well conserved in available vertebrate species. In addition, this variant is predicted to be deleterious by in silico analysis (Choi Y et al. PLoS ONE. 2012; 7(10):e46688). Based on the available evidence, the clinical significance of this variant remains unclear.

Mayo Clinic Laboratories, Mayo Clinic
Classification: Uncertain significance. Last evaluated: 2024-04-03. Review status: criteria provided, single submitter. Criteria: ACMG Guidelines, 2015. Collection method: clinical testing. Allele origin: germline. Observed: 1 variant allele.
Comment: PM2, PM4

NM_005477.3(HCN4):c.3456_3466delinsCGAGG (p.Pro1153_Thr1156delinsGluAla)

Gene: HCN4 (hyperpolarization activated cyclic nucleotide gated potassium channel 4; minus strand). Cytogenetic location: 15q24.1.
Variant type: Indel.
Coding change: c.3456_3466delinsCGAGG on transcript NM_005477.3 (MANE Select); coding-DNA positions 3456 to 3466, GCCTCGGAAGA replaced by CGAGG.
Protein change: p.Pro1153_Thr1156delinsGluAla.
Molecular consequence: inframe indel.
Genome position (GRCh38, 1-based): chr15:73,322,627-73,322,637, TCTTCCGAGGC replaced by CCTCG on the plus strand (GCCTCGGAAGA replaced by CGAGG on the coding strand, the reverse complement: HCN4 is on the minus strand). VCF-style: chr15-73322627-TCTTCCGAGGC-CCTCG. GRCh37 (hg19) VCF-style: chr15-73614968-TCTTCCGAGGC-CCTCG.
Other names: p.Pro1153_Thr1156delinsGluAla; c.3456_3466del11insCGAGG (NM_005477.2).
Identifiers: ClinVar variation 3380306 (VCV003380306.2).
Genomic context (GRCh38, chr15:73,322,627, plus strand): 5'-CAGAAGAGGTGGCTCTTGCCCCAAACAAAGACAGAGGGGGTGGCAAAGAACCTGAGGATG[TCTTCCGAGGC>CCTCG]AGAGTGACGTGCTGGCCGGGGATGGCACCATAGGGCCTCCCAGGGGGACCGAGGCCCCCG-3'